The following is an entry in ClinVar:

ClinVar aggregate classification (germline): Benign/Likely benign. Review status: criteria provided, multiple submitters, no conflicts (2 of 4 stars). 6 submissions from 6 submitters: Benign (4); Likely benign (2). Last evaluated 2026-09-01.

Conditions:
Brain small vessel disease 2A, autosomal dominant. Also called: Porencephaly 2. Identifiers: Orphanet 2940, Orphanet 99810, MedGen C3280970, MONDO:0013773, OMIM 614483.

Allele frequency attached by ClinVar (database versions not stated): 1000 Genomes Project 30x 0.00062; 1000 Genomes Project 0.00080; gnomAD 0.00088 and 0.00102; TOPMed 0.00088; ESP Exome Variant Server 0.00093; gnomAD exomes 0.00174 and 0.00231; ExAC 0.00189.
gnomAD v4.1: 3,461 of 1,614,234 alleles (0.21%); highest among the groups gnomAD compares: South Asian, 0.61%; 10 homozygotes.

Submissions (6):

CeGaT Center for Human Genetics Tuebingen
Classification: Likely benign. Last evaluated: 2026-09-01. Review status: criteria provided, single submitter. Criteria: CeGaT Center For Human Genetics Tuebingen Variant Classification Criteria Version 2. Collection method: clinical testing. Allele origin: germline. Affected: yes. Observed: 5 variant alleles.
Comment: COL4A2: BP4, BP7

Labcorp Genetics (formerly Invitae), Labcorp
Classification: Benign. Last evaluated: 2026-01-19. Review status: criteria provided, single submitter. Criteria: Invitae Variant Classification Sherloc (09022015). Collection method: clinical testing. Allele origin: germline.

Blueprint Genetics
Classification: Likely benign. Last evaluated: 2024-11-04. Review status: criteria provided, single submitter. Criteria: ACMG Guidelines, 2015. Collection method: clinical testing. Allele origin: germline.

GeneDx
Classification: Benign. Last evaluated: 2020-08-06. Review status: criteria provided, single submitter. Criteria: GeneDx Variant Classification Process June 2021. Collection method: clinical testing. Allele origin: germline. Affected: yes.
Comment: This variant is associated with the following publications: (PMID: 22209247)

Illumina Laboratory Services, Illumina
Classification: Benign for Brain small vessel disease 2A, autosomal dominant. Last evaluated: 2018-01-12. Review status: criteria provided, single submitter. Criteria: ICSL Variant Classification Criteria 13 December 2019. Collection method: clinical testing. Allele origin: germline.
Comment: This variant was observed in the ICSL laboratory as part of a predisposition screen in an ostensibly healthy population. It had not been previously curated by ICSL or reported in the Human Gene Mutation Database (HGMD: prior to June 1st, 2018), and was therefore a candidate for classification through an automated scoring system. Utilizing variant allele frequency, disease prevalence and penetrance estimates, and inheritance mode, an automated score was calculated to assess if this variant is too frequent to cause the disease. Based on the score and internal cut-off values, a variant classified as benign is not then subjected to further curation. The score for this variant resulted in a classification of benign for this disease.

Breakthrough Genomics
Classification: Benign. Review status: criteria provided, single submitter. Criteria: ACMG Guidelines, 2015. Collection method: not provided. Allele origin: germline. Inheritance: Autosomal dominant inheritance. Affected: yes.

NM_001846.4(COL4A2):c.4737C>T (p.Ala1579=)

Genes: COL4A2 (collagen type IV alpha 2 chain; plus strand), COL4A2-AS1 (COL4A2 antisense RNA 1; minus strand). Cytogenetic location: 13q34.
Variant type: single nucleotide variant.
Coding change: c.4737C>T on transcript NM_001846.4 (MANE Select); coding-DNA position 4737, C replaced by T.
Protein change: p.Ala1579=; no amino-acid change (alanine 1579 retained).
Molecular consequence: synonymous variant.
Genome position (GRCh38, 1-based): chr13:110,508,077, C>T. VCF-style: chr13-110508077-C-T. GRCh37 (hg19) VCF-style: chr13-111160424-C-T.
Identifiers: ClinVar variation 311186 (VCV000311186.40), dbSNP rs201956616, ClinGen allele CA7050638.